The following is an entry in ClinVar:

NM_006206.6(PDGFRA):c.361G>A (p.Val121Met)

Gene: PDGFRA (platelet derived growth factor receptor alpha; plus strand). Cytogenetic location: 4q12.
Variant type: single nucleotide variant.
Coding change: c.361G>A on transcript NM_006206.6 (MANE Select); coding-DNA position 361, G replaced by A.
Protein change: p.Val121Met; replaces valine 121 with methionine.
Molecular consequence: missense variant.
Genome position (GRCh38, 1-based): chr4:54,261,406, G>A. VCF-style: chr4-54261406-G-A. GRCh37 (hg19) VCF-style: chr4-55127573-G-A.
Other names: c.361G>A, p.Val121Met (NM_001347827.2, NM_001347829.2); c.436G>A, p.Val146Met (NM_001347828.2); c.400G>A, p.Val134Met (NM_001347830.2); short protein forms V121M, V134M, V146M.
Identifiers: ClinVar variation 5026405 (VCV005026405.1).

ClinVar aggregate classification (germline): Uncertain significance (1 of 4 stars; one submission).

Conditions:
Hereditary cancer-predisposing syndrome. Also called: Neoplastic Syndromes, Hereditary; Tumor predisposition; Hereditary neoplastic syndrome; Hereditary Cancer Syndrome. Identifiers: Orphanet 140162, MedGen C0027672, MeSH D009386, MONDO:0015356.

Submission:

Ambry Genetics
Classification: Uncertain significance for Hereditary cancer-predisposing syndrome. Last evaluated: 2026-06-30. Review status: criteria provided, single submitter. Criteria: Ambry Variant Classification Scheme 2023. Collection method: clinical testing. Allele origin: germline.
Comment: The p.V121M variant (also known as c.361G>A), located in coding exon 2 of the PDGFRA gene, results from a G to A substitution at nucleotide position 361. The valine at codon 121 is replaced by methionine, an amino acid with highly similar properties. This amino acid position is conserved. In addition, the in silico prediction for this alteration is inconclusive. Based on the available evidence, the clinical significance of this variant remains unclear.